The following is an entry in ClinVar:

ClinVar aggregate classification (germline): Uncertain significance (1 of 4 stars; one submission).

Submission:

Labcorp Genetics (formerly Invitae), Labcorp
Classification: Uncertain significance. Last evaluated: 2025-06-22. Review status: criteria provided, single submitter. Criteria: Invitae Variant Classification Sherloc (09022015). Collection method: clinical testing. Allele origin: germline.
Comment: This sequence change replaces valine, which is neutral and non-polar, with phenylalanine, which is neutral and non-polar, at codon 840 of the MSH3 protein (p.Val840Phe). This variant is not present in population databases (gnomAD no frequency). This variant has not been reported in the literature in individuals affected with MSH3-related conditions. An algorithm developed to predict the effect of missense changes on protein structure and function (PolyPhen-2) suggests that this variant is likely to be disruptive. In summary, the available evidence is currently insufficient to determine the role of this variant in disease. Therefore, it has been classified as a Variant of Uncertain Significance.

NM_002439.5(MSH3):c.2518G>T (p.Val840Phe)

Gene: MSH3 (mutS homolog 3; plus strand). Cytogenetic location: 5q14.1.
Variant type: single nucleotide variant.
Coding change: c.2518G>T on transcript NM_002439.5 (MANE Select); coding-DNA position 2518, G replaced by T.
Protein change: p.Val840Phe; replaces valine 840 with phenylalanine.
Molecular consequence: missense variant.
Genome position (GRCh38, 1-based): chr5:80,787,647, G>T. VCF-style: chr5-80787647-G-T. GRCh37 (hg19) VCF-style: chr5-80083466-G-T.
Other names: short protein forms V840F.
Identifiers: ClinVar variation 4700168 (VCV004700168.1).
Genomic context (GRCh38, chr5:80,787,647, plus strand): 5'-TCCTTGTGTAAAGCAGTGCATCACCTAGCAACTGTTGACTGCATTTTCTCCCTGGCCAAG[G>T]TCGCTAAGCAAGGAGATTACTGCAGGTAAGATATTTTTCATTTTCCTCTTTATCAGTGCT-3'
Protein context (NP_002430.3, residues 830-850): TVDCIFSLAK[Val840Phe]AKQGDYCRPT